The following is an entry in ClinVar:

NM_001080449.3(DNA2):c.940G>A (p.Val314Ile)

Gene: DNA2 (DNA replication helicase/nuclease 2; minus strand). Cytogenetic location: 10q21.3.
Variant type: single nucleotide variant.
Coding change: c.940G>A on transcript NM_001080449.3 (MANE Select); coding-DNA position 940, G replaced by A.
Protein change: p.Val314Ile; replaces valine 314 with isoleucine.
Molecular consequence: missense variant. On other transcripts: non-coding transcript variant (1).
Genome position (GRCh38, 1-based): chr10:68,446,413, C>T on the plus strand (G>A on the coding strand, the complement: DNA2 is on the minus strand). VCF-style: chr10-68446413-C-T. GRCh37 (hg19) VCF-style: chr10-70206170-C-T.
Other names: short protein forms V314I.
Identifiers: ClinVar variation 4773274 (VCV004773274.1).
Genomic context (GRCh38, chr10:68,446,413, plus strand): 5'-GAAGCAAGCCAGCCTCTGGATCAGCTCTTCTCTCTTGGCTTAGTAGAGTGTACAGAACAA[C>T]CTGTGCAAACATTGACATTTGCTCAAACAAAACTATAACTTCTTGTATTTCCTTACATTG-3'
Protein context (NP_001073918.2, residues 304-324): ESNSIEHRSQ[Val314Ile]VLYTLLSQER

ClinVar aggregate classification (germline): Uncertain significance (1 of 4 stars; one submission).

gnomAD v4.1: 1 of 1,557,384 alleles (0.000064%); highest among the groups gnomAD compares: African/African-American, 0.0014%; no homozygotes.

Submission:

Labcorp Genetics (formerly Invitae), Labcorp
Classification: Uncertain significance. Last evaluated: 2025-07-30. Review status: criteria provided, single submitter. Criteria: Invitae Variant Classification Sherloc (09022015). Collection method: clinical testing. Allele origin: germline.
Comment: This sequence change replaces valine, which is neutral and non-polar, with isoleucine, which is neutral and non-polar, at codon 314 of the DNA2 protein (p.Val314Ile). This variant is not present in population databases (gnomAD no frequency). This variant has not been reported in the literature in individuals affected with DNA2-related conditions. Experimental studies and prediction algorithms are not available or were not evaluated, and the functional significance of this variant is currently unknown. Algorithms developed to predict the effect of sequence changes on RNA splicing suggest that this variant may disrupt the consensus splice site. In summary, the available evidence is currently insufficient to determine the role of this variant in disease. Therefore, it has been classified as a Variant of Uncertain Significance.